The following is an entry in ClinVar:

NM_032444.4(SLX4):c.467C>A (p.Thr156Lys)

Gene: SLX4 (SLX4 structure-specific endonuclease subunit; minus strand). Cytogenetic location: 16p13.3.
Variant type: single nucleotide variant.
Coding change: c.467C>A on transcript NM_032444.4 (MANE Select); coding-DNA position 467, C replaced by A.
Protein change: p.Thr156Lys; replaces threonine 156 with lysine.
Molecular consequence: missense variant.
Genome position (GRCh38, 1-based): chr16:3,608,498, G>T on the plus strand (C>A on the coding strand, the complement: SLX4 is on the minus strand). VCF-style: chr16-3608498-G-T. GRCh37 (hg19) VCF-style: chr16-3658499-G-T.
Other names: c.467C>A (LRG_503t1); short protein forms T156K.
Identifiers: ClinVar variation 407933 (VCV000407933.14), dbSNP rs144614070, ClinGen allele CA7866863.

ClinVar aggregate classification (germline): Conflicting classifications of pathogenicity. Review status: criteria provided, conflicting classifications (1 of 4 stars). 6 submissions from 6 submitters: Uncertain significance (4); Likely benign (2). Last evaluated 2024-05-01.

Conditions:
Fanconi anemia (FA). Also called: Fanconi's anemia. Identifiers: Orphanet 84, MedGen C0015625, MeSH D005199, MONDO:0019391.
Fanconi anemia complementation group P. Also called: SLX4-Related Fanconi Anemia. Identifiers: Orphanet 84, MedGen C3469542, MONDO:0013499, OMIM 613951.
Fanconi anemia complementation group A (FANCA). Also called: FANCA-Related Fanconi Anemia; Fanconi anemia, group A. Identifiers: Orphanet 84, MedGen C3469521, MONDO:0009215, OMIM 227650.

Allele frequency attached by ClinVar (database versions not stated): gnomAD exomes 0.00003; gnomAD 0.00032 and 0.00038; ESP Exome Variant Server 0.00038; TOPMed 0.00042.
gnomAD v4.1: 99 of 1,614,060 alleles (0.0061%); highest among the groups gnomAD compares: African/African-American, 0.11%; no homozygotes.

Submissions (6):

ARUP Laboratories, Molecular Genetics and Genomics, ARUP Laboratories
Classification: Likely benign for Fanconi anemia complementation group P. Last evaluated: 2024-05-01. Review status: criteria provided, single submitter. Criteria: ARUP Molecular Germline Variant Investigation Process 2024. Collection method: clinical testing. Allele origin: germline.

Fulgent Genetics
Classification: Uncertain significance for Fanconi anemia complementation group P. Last evaluated: 2024-04-12. Review status: criteria provided, single submitter. Criteria: ACMG Guidelines, 2015. Collection method: clinical testing. Allele origin: germline.

Labcorp Genetics (formerly Invitae), Labcorp
Classification: Uncertain significance for Fanconi anemia. Last evaluated: 2023-12-26. Review status: criteria provided, single submitter. Criteria: Invitae Variant Classification Sherloc (09022015). Collection method: clinical testing. Allele origin: germline.
Comment: This sequence change replaces threonine, which is neutral and polar, with lysine, which is basic and polar, at codon 156 of the SLX4 protein (p.Thr156Lys). This variant is present in population databases (rs144614070, gnomAD 0.1%). This variant has not been reported in the literature in individuals affected with SLX4-related conditions. ClinVar contains an entry for this variant (Variation ID: 407933). An algorithm developed to predict the effect of missense changes on protein structure and function (PolyPhen-2) suggests that this variant¬†is likely to be tolerated. In summary, the available evidence is currently insufficient to determine the role of this variant in disease. Therefore, it has been classified as a Variant of Uncertain Significance.

Sema4
Classification: Uncertain significance for Fanconi anemia. Last evaluated: 2022-02-01. Review status: criteria provided, single submitter. Criteria: Sema4 Curation Guidelines. Collection method: curation. Allele origin: germline.
Comment: The SLX4 c.467C>A (p.T156K) variant has been reported in at least one individual with breast cancer (PMID: 33606809). It was observed in 27/24970 chromosomes of the African/African American subpopulation in the large and broad cohorts of the Genome Aggregation Database (PMID: 32461654). The variant has been reported in ClinVar (Variation ID 407933). In silico tools suggest the impact of the variant on protein function is benign though these predictions have not been confirmed by functional studies. The evidence is insufficient to meet ACMG/AMP criteria for classifying the variant as benign or pathogenic. Thus, the clinical significance of this variant is currently uncertain.

Mendelics
Classification: Uncertain significance for Fanconi anemia complementation group A. Last evaluated: 2019-05-28. Review status: criteria provided, single submitter. Criteria: Mendelics Assertion Criteria 2017. Collection method: clinical testing. Allele origin: unknown.

Genetic Services Laboratory, University of Chicago
Classification: Likely benign. Last evaluated: 2016-07-07. Review status: criteria provided, single submitter. Criteria: ACMG Guidelines, 2015. Collection method: clinical testing. Allele origin: germline. Affected: no.

Literature cited by the submitters: PubMed 33606809 (cited by Sema4).